The following is an entry in ClinVar:

ClinVar aggregate classification (germline): Uncertain significance. Review status: criteria provided, multiple submitters, no conflicts (2 of 4 stars). 2 submissions from 2 submitters: Uncertain significance (2). Last evaluated 2025-09-28.

Conditions:
Hereditary cancer-predisposing syndrome. Also called: Tumor predisposition; Neoplastic Syndromes, Hereditary; Hereditary neoplastic syndrome; Hereditary Cancer Syndrome. Identifiers: Orphanet 140162, MedGen C0027672, MeSH D009386, MONDO:0015356.

Submissions (2):

Ambry Genetics
Classification: Uncertain significance for Hereditary cancer-predisposing syndrome. Last evaluated: 2025-09-28. Review status: criteria provided, single submitter. Criteria: Ambry Variant Classification Scheme 2023. Collection method: clinical testing. Allele origin: germline.
Comment: The p.C1992G variant (also known as c.5974T>G), located in coding exon 43 of the POLE gene, results from a T to G substitution at nucleotide position 5974. The cysteine at codon 1992 is replaced by glycine, an amino acid with highly dissimilar properties. This amino acid position is conserved. In addition, this alteration is predicted to be deleterious by in silico analysis. Since supporting evidence is limited at this time, the clinical significance of this alteration remains unclear.

Labcorp Genetics (formerly Invitae), Labcorp
Classification: Uncertain significance. Last evaluated: 2023-11-27. Review status: criteria provided, single submitter. Criteria: Invitae Variant Classification Sherloc (09022015). Collection method: clinical testing. Allele origin: germline.
Comment: This sequence change replaces cysteine, which is neutral and slightly polar, with glycine, which is neutral and non-polar, at codon 1992 of the POLE protein (p.Cys1992Gly). This variant is not present in population databases (gnomAD no frequency). This variant has not been reported in the literature in individuals affected with POLE-related conditions. ClinVar contains an entry for this variant (Variation ID: 1019114). Advanced modeling of protein sequence and biophysical properties (such as structural, functional, and spatial information, amino acid conservation, physicochemical variation, residue mobility, and thermodynamic stability) performed at Invitae indicates that this missense variant is not expected to disrupt POLE protein function with a negative predictive value of 80%. In summary, the available evidence is currently insufficient to determine the role of this variant in disease. Therefore, it has been classified as a Variant of Uncertain Significance.

NM_006231.4(POLE):c.5974T>G (p.Cys1992Gly)

Gene: POLE (DNA polymerase epsilon, catalytic subunit; minus strand). Cytogenetic location: 12q24.33.
Variant type: single nucleotide variant.
Coding change: c.5974T>G on transcript NM_006231.4 (MANE Select); coding-DNA position 5974, T replaced by G.
Protein change: p.Cys1992Gly; replaces cysteine 1992 with glycine.
Molecular consequence: missense variant.
Genome position (GRCh38, 1-based): chr12:132,634,216, A>C on the plus strand (T>G on the coding strand, the complement: POLE is on the minus strand). VCF-style: chr12-132634216-A-C. GRCh37 (hg19) VCF-style: chr12-133210802-A-C.
Other names: short protein forms C1992G.
Identifiers: ClinVar variation 1019114 (VCV001019114.12), dbSNP rs2041989410, ClinGen allele CA387371468.